The following is an entry in ClinVar:

ClinVar aggregate classification (germline): Uncertain significance (1 of 4 stars; one submission).

Conditions:
TAOK1-related disorder. Also called: TAOK1-related condition.

Allele frequency attached by ClinVar (database versions not stated): TOPMed below 0.00001.
gnomAD v4.1: 1 of 1,614,214 alleles (0.000062%); highest among the groups gnomAD compares: Non-Finnish European, 0.000085%; no homozygotes.

Submission:

PreventionGenetics, part of Exact Sciences
Classification: Uncertain significance for TAOK1-related condition. Last evaluated: 2026-08-13. Review status: criteria provided, single submitter. Criteria: ACMG Guidelines, 2015. Collection method: clinical testing. Allele origin: germline.
Comment: The TAOK1 c.2746G>A variant is predicted to result in the amino acid substitution p.Gly916Arg. To our knowledge, this variant has not been reported in the literature or in a large population database (gnomAD), indicating this variant is rare. At this time, the clinical significance of this variant is uncertain due to the absence of conclusive functional and genetic evidence.

NM_020791.4(TAOK1):c.2746G>A (p.Gly916Arg)

Gene: TAOK1 (TAO kinase 1; plus strand). Cytogenetic location: 17q11.2.
Variant type: single nucleotide variant.
Coding change: c.2746G>A on transcript NM_020791.4 (MANE Select); coding-DNA position 2746, G replaced by A.
Protein change: p.Gly916Arg; replaces glycine 916 with arginine.
Molecular consequence: missense variant.
Genome position (GRCh38, 1-based): chr17:29,542,762, G>A. VCF-style: chr17-29542762-G-A. GRCh37 (hg19) VCF-style: chr17-27869780-G-A.
Other names: c.2302G>A, p.Gly768Arg (NM_025142.1); short protein forms G768R, G916R.
Identifiers: ClinVar variation 2632775 (VCV002632775.2), dbSNP rs777387008, ClinGen allele CA398920098.
Genomic context (GRCh38, chr17:29,542,762, plus strand): 5'-TCCCCTGAGGCATTCAGCCACAGCTACCCGGGAGCTTCTGGTTGGTCACACAACCCTACT[G>A]GGGGTCCAGGACCTCACTGGGGTCATCCCATGGGTGGCCCACCACAAGCTTGGGGCCATC-3'
Protein context (NP_065842.1, residues 906-926): GASGWSHNPT[Gly916Arg]GPGPHWGHPM